The following is an entry in ClinVar:

NM_004629.2(FANCG):c.933T>A (p.Asn311Lys)

Gene: FANCG (FA complementation group G; minus strand). Cytogenetic location: 9p13.3.
Variant type: single nucleotide variant.
Coding change: c.933T>A on transcript NM_004629.2 (MANE Select); coding-DNA position 933, T replaced by A.
Protein change: p.Asn311Lys; replaces asparagine 311 with lysine.
Molecular consequence: missense variant.
Genome position (GRCh38, 1-based): chr9:35,076,575, A>T on the plus strand (T>A on the coding strand, the complement: FANCG is on the minus strand). VCF-style: chr9-35076575-A-T. GRCh37 (hg19) VCF-style: chr9-35076572-A-T.
Other names: short protein forms N311K.
Identifiers: ClinVar variation 3848371 (VCV003848371.1).

ClinVar aggregate classification (germline): Uncertain significance (1 of 4 stars; one submission).

Conditions:
Inborn genetic diseases. Identifiers: MedGen C0950123, MeSH D030342.

Submission:

Ambry Genetics
Classification: Uncertain significance for Inborn genetic diseases. Last evaluated: 2024-12-15. Review status: criteria provided, single submitter. Criteria: Ambry Variant Classification Scheme 2023. Collection method: clinical testing. Allele origin: germline.
Comment: The p.N311K variant (also known as c.933T>A), located in coding exon 8 of the FANCG gene, results from a T to A substitution at nucleotide position 933. The asparagine at codon 311 is replaced by lysine, an amino acid with similar properties. This amino acid position is conserved. In addition, this alteration is predicted to be tolerated by in silico analysis. Based on the available evidence, the clinical significance of this variant remains unclear.